The following is an entry in ClinVar:

NM_024675.4(PALB2):c.1237A>G (p.Thr413Ala)

Gene: PALB2 (partner and localizer of BRCA2; minus strand). Cytogenetic location: 16p12.2.
Variant type: single nucleotide variant.
Coding change: c.1237A>G on transcript NM_024675.4 (MANE Select); coding-DNA position 1237, A replaced by G.
Protein change: p.Thr413Ala; replaces threonine 413 with alanine.
Molecular consequence: missense variant.
Genome position (GRCh38, 1-based): chr16:23,635,309, T>C on the plus strand (A>G on the coding strand, the complement: PALB2 is on the minus strand). VCF-style: chr16-23635309-T-C. GRCh37 (hg19) VCF-style: chr16-23646630-T-C.
Other names: short protein forms T413A.
Identifiers: ClinVar variation 919823 (VCV000919823.4), dbSNP rs1335631200, ClinGen allele CA395132975.

ClinVar aggregate classification (germline): Uncertain significance (1 of 4 stars; one submission).

Conditions:
Hereditary cancer-predisposing syndrome. Also called: Neoplastic Syndromes, Hereditary; Tumor predisposition; Hereditary Cancer Syndrome; Hereditary neoplastic syndrome. Identifiers: Orphanet 140162, MedGen C0027672, MeSH D009386, MONDO:0015356.

Submission:

Color Diagnostics, LLC DBA Color Health
Classification: Uncertain significance for Hereditary cancer-predisposing syndrome. Last evaluated: 2023-12-05. Review status: criteria provided, single submitter. Criteria: ACMG Guidelines, 2015. Collection method: clinical testing. Allele origin: germline.
Comment: This missense variant replaces threonine with alanine at codon 413 of the PALB2 protein. Computational prediction suggests that this variant may not impact protein structure and function (internally defined REVEL score threshold <= 0.5, PMID: 27666373). To our knowledge, functional studies have not been reported for this variant. This variant has not been reported in individuals affected with PALB2-related disorders in the literature. This variant has not been identified in the general population by the Genome Aggregation Database (gnomAD). The available evidence is insufficient to determine the role of this variant in disease conclusively. Therefore, this variant is classified as a Variant of Uncertain Significance.